The following is an entry in ClinVar:

NM_001430.5(EPAS1):c.1564A>G (p.Asn522Asp)

Gene: EPAS1 (endothelial PAS domain protein 1; plus strand). Cytogenetic location: 2p21.
Variant type: single nucleotide variant.
Coding change: c.1564A>G on transcript NM_001430.5 (MANE Select); coding-DNA position 1564, A replaced by G.
Protein change: p.Asn522Asp; replaces asparagine 522 with aspartic acid.
Molecular consequence: missense variant.
Genome position (GRCh38, 1-based): chr2:46,380,236, A>G. VCF-style: chr2-46380236-A-G. GRCh37 (hg19) VCF-style: chr2-46607375-A-G.
Other names: short protein forms N522D.
Identifiers: ClinVar variation 3275659 (VCV003275659.1).
Genomic context (GRCh38, chr2:46,380,236, plus strand): 5'-GTGAGGTCGTACCAACCCCCTTGCCTCTTTGCCGGTGCTGTCTCCCCTCAGACGGATTTC[A>G]ATGAGCTGGACTTGGAGACACTGGCACCCTATATCCCCATGGACGGGGAAGACTTCCAGC-3'
Protein context (NP_001421.2, residues 512-532): KDQCSTQTDF[Asn522Asp]ELDLETLAPY

ClinVar aggregate classification (germline): Uncertain significance (1 of 4 stars; one submission).

Conditions:
Inborn genetic diseases. Identifiers: MedGen C0950123, MeSH D030342.

Submission:

Ambry Genetics
Classification: Uncertain significance for Inborn genetic diseases. Last evaluated: 2024-05-01. Review status: criteria provided, single submitter. Criteria: Ambry Variant Classification Scheme 2023. Collection method: clinical testing. Allele origin: germline.
Comment: The p.N522D variant (also known as c.1564A>G), located in coding exon 12 of the EPAS1 gene, results from an A to G substitution at nucleotide position 1564. The asparagine at codon 522 is replaced by aspartic acid, an amino acid with highly similar properties. This amino acid position is conserved. In addition, this alteration is predicted to be tolerated by in silico analysis. Based on the available evidence, the clinical significance of this variant remains unclear.